The following is an entry in ClinVar:

NM_001754.5(RUNX1):c.509-2A>G

Genes: RUNX1 (RUNX family transcription factor 1; minus strand), RUNX1-AS1 (RUNX1 antisense RNA 1; plus strand). Cytogenetic location: 21q22.12.
Variant type: single nucleotide variant.
Coding change: c.509-2A>G on transcript NM_001754.5 (MANE Select); the canonical splice acceptor site of the intron before coding-DNA position 509, A replaced by G.
Molecular consequence: splice acceptor variant.
Genome position (GRCh38, 1-based): chr21:34,859,580, T>C on the plus strand (A>G on the coding strand, the complement: RUNX1 is on the minus strand). VCF-style: chr21-34859580-T-C. GRCh37 (hg19) VCF-style: chr21-36231877-T-C.
Other names: c.428-2A>G (NM_001001890.3, NM_001122607.2).
Identifiers: ClinVar variation 4158201 (VCV004158201.2).

ClinVar aggregate classification (germline): Pathogenic/Likely pathogenic. Review status: criteria provided, multiple submitters, no conflicts (2 of 4 stars). 2 submissions from 2 submitters: Pathogenic (1); Likely pathogenic (1). Last evaluated 2025-09-04.

Conditions:
RUNX1-related disorder. Also called: RUNX1-related condition.
Inborn genetic diseases. Identifiers: MedGen C0950123, MeSH D030342.

gnomAD v4.1: 1 of 1,611,068 alleles (0.000062%); highest among the groups gnomAD compares: Non-Finnish European, 0.000085%; no homozygotes.

Submissions (2):

PreventionGenetics, part of Exact Sciences
Classification: Pathogenic for RUNX1-related condition. Last evaluated: 2025-09-04. Review status: criteria provided, single submitter. Criteria: ACMG Guidelines, 2015. Collection method: clinical testing. Allele origin: germline.
Comment: The RUNX1 c.509-2A>G variant is predicted to disrupt the AG splice acceptor site and interfere with normal splicing. This variant has been reported as probably de novo in an individual with red blood cell disorder including bone marrow failure syndrome (Neishabury et al. 2020. PubMed ID: 31097629). This variant has not been reported in a large population database (gnomAD), indicating this variant is rare. Variants that disrupt the consensus splice acceptor site in RUNX1 are expected to be pathogenic. This variant is interpreted as pathogenic.

Ambry Genetics
Classification: Likely pathogenic for Inborn genetic diseases. Last evaluated: 2025-07-29. Review status: criteria provided, single submitter. Criteria: Ambry Variant Classification Scheme 2023. Collection method: clinical testing. Allele origin: germline.
Comment: The c.509-2A>G intronic variant results from an A to G substitution two nucleotides upstream from coding exon 5 in the RUNX1 gene. This variant was reported in individuals with features consistent with RUNX1 familial platelet disorder with associated myeloid malignancies (Ambry internal data; Ma, Jingjing et al. Journal of Jinan University Natural Science and Medicine Edition 2025, 46(3): 366-374; Neishabury M et al. Haematologica 2020 Jan;105(1):e1-e4). This nucleotide position is highly conserved in available vertebrate species. In silico splice site analysis predicts that this alteration will weaken the native splice acceptor site and will result in the creation or strengthening of a novel splice acceptor site. RNA studies have demonstrated that this alteration results in abnormal splicing in the set of samples tested (Ambry internal data). Based on the majority of available evidence to date, this variant is likely to be pathogenic.

Literature cited by the submitters: PubMed 31097629 (cited by Ambry Genetics).